The following is an entry in ClinVar:

NM_004928.3(CFAP410):c.642+62CCGTGGGGAGGGAGCATGGAGCCTCACAGGGCC[4]

Gene: CFAP410 (cilia and flagella associated protein 410; minus strand). Cytogenetic location: 21q22.3.
Variant type: Microsatellite.
Coding change: c.642+62CCGTGGGGAGGGAGCATGGAGCCTCACAGGGCC[4] on transcript NM_004928.3 (MANE Select); four copies in a row of the 33-base unit CCGTGGGGAGGGAGCATGGAGCCTCACAGGGCC starting at c.642+62; the reference has two copies in a row; two copies, 66 bases duplicated.
Molecular consequence: intron variant.
Genome position (GRCh38, 1-based): chr21:44,330,696-44,330,761, 66 bases duplicated. GRCh37 (hg19), VCF-style position (the base before the change): chr21:45,750,578.
Other names: c.701CCGTGGGGAGGGAGCATGGAGCCTCACAGGGCC[4], p.Gly255_Leu256insProValGlyArgGluHisGlyAlaSerGlnGlyProValGlyArgGluHisGlyAlaSerGlnGly (NM_001271441.2); c.639+62CCGTGGGGAGGGAGCATGGAGCCTCACAGGGCC[4] (NM_001271440.2); c.516+62CCGTGGGGAGGGAGCATGGAGCCTCACAGGGCC[4] (NM_001271442.1).
Identifiers: ClinVar variation 3038980 (VCV003038980.3), dbSNP rs770389083, ClinGen allele CA638494181.

ClinVar aggregate classification (germline): Likely benign. Review status: criteria provided, single submitter (1 of 4 stars). 2 submissions from 2 submitters: Likely benign (1). 1 of the submissions does not count toward it. Last evaluated 2024-11-28.

Conditions:
CFAP410-related disorder. Also called: CFAP410-related condition.

Submissions (2):

Blueprint Genetics
Classification: Likely benign. Last evaluated: 2024-11-28. Review status: criteria provided, single submitter. Criteria: ACMG Guidelines, 2015. Collection method: clinical testing. Allele origin: germline.

PreventionGenetics, part of Exact Sciences
Classification: Likely benign for CFAP410-related condition. Last evaluated: 2022-06-14. Review status: no assertion criteria provided. Collection method: clinical testing. Allele origin: germline. Not counted in ClinVar's aggregate classification.
Comment: This variant is classified as likely benign based on ACMG/AMP sequence variant interpretation guidelines (Richards et al. 2015 PMID: 25741868, with internal and published modifications).